The following is an entry in ClinVar:

NM_006005.3(WFS1):c.2453G>A (p.Arg818His)

Gene: WFS1 (wolframin ER transmembrane glycoprotein; plus strand). Cytogenetic location: 4p16.1.
Variant type: single nucleotide variant.
Coding change: c.2453G>A on transcript NM_006005.3 (MANE Select); coding-DNA position 2453, G replaced by A.
Protein change: p.Arg818His; replaces arginine 818 with histidine.
Molecular consequence: missense variant.
Genome position (GRCh38, 1-based): chr4:6,302,248, G>A. VCF-style: chr4-6302248-G-A. GRCh37 (hg19) VCF-style: chr4-6303975-G-A.
Other names: p.R818H:CGC>CAC; c.2453G>A, p.Arg818His (NM_001145853.1); short protein forms R818H.
Identifiers: ClinVar variation 215414 (VCV000215414.16), dbSNP rs575851859, ClinGen allele CA321767.

ClinVar aggregate classification (germline): Conflicting classifications of pathogenicity. Review status: criteria provided, conflicting classifications (1 of 4 stars). 7 submissions from 6 submitters: Likely risk allele (1); Uncertain significance (5); Likely benign (1). Last evaluated 2025-12-18.

Conditions:
WFS1-Related Spectrum Disorders.
WFS1-related disorder. Identifiers: MedGen CN379391, MONDO:0700293.
Wolfram syndrome 1 (WFS1). Identifiers: Orphanet 3463, MedGen C4551693, MONDO:0009101, OMIM 222300.
Autosomal dominant nonsyndromic hearing loss 6 (LFSNHL). Also called: Autosomal dominant nonsyndromic deafness 6; DEAFNESS, AUTOSOMAL DOMINANT 6; DEAFNESS, AUTOSOMAL DOMINANT 14; DEAFNESS, AUTOSOMAL DOMINANT 38. Identifiers: Orphanet 90635, MedGen C1833021, MONDO:0010963, OMIM 600965.

Allele frequency attached by ClinVar (database versions not stated): gnomAD 0.00002 and 0.00003; TOPMed 0.00003; gnomAD exomes 0.00007; ExAC 0.00008; 1000 Genomes Project 30x 0.00031; 1000 Genomes Project 0.00040.
gnomAD v4.1: 119 of 1,605,114 alleles (0.0074%); highest among the groups gnomAD compares: Middle Eastern, 0.033%; 1 homozygote.

Submissions (7):

Labcorp Genetics (formerly Invitae), Labcorp
Classification: Likely benign. Last evaluated: 2025-12-18. Review status: criteria provided, single submitter. Criteria: Invitae Variant Classification Sherloc (09022015). Collection method: clinical testing. Allele origin: germline.

PreventionGenetics, part of Exact Sciences
Classification: Uncertain significance for WFS1-related condition. Last evaluated: 2024-12-14. Review status: criteria provided, single submitter. Criteria: ACMG Guidelines, 2015. Collection method: clinical testing. Allele origin: germline.
Comment: The WFS1 c.2453G>A variant is predicted to result in the amino acid substitution p.Arg818His. This variant was reported as a variant of uncertain significance (VUS) in a genome sequencing and RNA-seq study of patients with complex neurological phenotypes (Table S1, Blake et al. 2023. PubMed ID: 37575640). This variant is reported in 0.02% of alleles in individuals of Ashkenazi Jewish descent in gnomAD, and across all populations, one homozygous individual was seen. At this time, the clinical significance of this variant is uncertain due to the absence of conclusive functional and genetic evidence.

Blueprint Genetics
Classification: Uncertain significance. Last evaluated: 2024-07-30. Review status: criteria provided, single submitter. Criteria: ACMG Guidelines, 2015. Collection method: clinical testing. Allele origin: germline.

Illumina Laboratory Services, Illumina
Classification: Uncertain significance for WFS1-Related Spectrum Disorders. Last evaluated: 2018-01-12. Review status: criteria provided, single submitter. Criteria: ICSL Variant Classification Criteria 13 December 2019. Collection method: clinical testing. Allele origin: germline.

Illumina Laboratory Services, Illumina
Classification: Uncertain significance for Autosomal dominant nonsyndromic hearing loss 6. Last evaluated: 2018-01-12. Review status: criteria provided, single submitter. Criteria: ICSL Variant Classification Criteria 13 December 2019. Collection method: clinical testing. Allele origin: germline.

GeneDx
Classification: Uncertain significance. Last evaluated: 2016-07-21. Review status: criteria provided, single submitter. Criteria: GeneDx Variant Classification (06012015). Collection method: clinical testing. Allele origin: germline. Affected: yes.
Comment: The R818H variant in the WFS1 gene has not been published as a mutation, nor has it been reported as a benign polymorphism to our knowledge. However, a missense mutation at the same residue (R818C) has been reported in association with Wolfram syndrome. The R818H variant was not observed in approximately 6500 individuals of European and African American ancestry in the NHLBI Exome Sequencing Project, indicating it is not a common benign variant in these populations. The R818H variant is a conservative amino acid substitution, which is not likely to impact secondary protein structure as these residues share similar properties. This substitution occurs at a position that is conserved across mammalian species. In silico analysis predicts this variant is probably damaging to the protein structure/function. We interpret R818H as a variant of unknown significance.

Clinical Genomics, Uppaluri K&H Personalized Medicine Clinic
Classification: Likely risk allele for Wolfram syndrome 1. Review status: criteria provided, single submitter. Criteria: K & H Uppaluri Personalized Medicine Clinic Variant Classification & Assertion Criteria_Updated V.1. Collection method: research. Allele origin: unknown. Inheritance: Autosomal recessive inheritance.
Comment: Potent mutations in WFS1 gene are associated with Wolfram's syndrome, an autosomal recessive condition, which cause diabetes mellitus, diabetes insipidus, deafness and optic atrophy. However no sufficient evidence is found to ascertain the role of this particular variant rs575851859 in Wolfram's syndrome yet.

Literature cited by the submitters: PubMed 20738327 (cited by Clinical Genomics, Uppaluri K&H Personalized Medicine Clinic); PubMed 33879153 (cited by Clinical Genomics, Uppaluri K&H Personalized Medicine Clinic); PubMed 12955714 (cited by Clinical Genomics, Uppaluri K&H Personalized Medicine Clinic); PubMed 18060660 (cited by Clinical Genomics, Uppaluri K&H Personalized Medicine Clinic); PubMed 20301750 (cited by Clinical Genomics, Uppaluri K&H Personalized Medicine Clinic); PubMed 17603484 (cited by Clinical Genomics, Uppaluri K&H Personalized Medicine Clinic).